The following is an entry in ClinVar:

NM_020928.2(ZSWIM6):c.1942C>T (p.Arg648Cys)

Gene: ZSWIM6 (zinc finger SWIM-type containing 6; plus strand). Cytogenetic location: 5q12.1.
Variant type: single nucleotide variant.
Coding change: c.1942C>T on transcript NM_020928.2 (MANE Select); coding-DNA position 1942, C replaced by T.
Protein change: p.Arg648Cys; replaces arginine 648 with cysteine.
Molecular consequence: missense variant.
Genome position (GRCh38, 1-based): chr5:61,530,156, C>T. VCF-style: chr5-61530156-C-T. GRCh37 (hg19) VCF-style: chr5-60825983-C-T.
Other names: short protein forms R648C.
Identifiers: ClinVar variation 4775291 (VCV004775291.1).

ClinVar aggregate classification (germline): Uncertain significance (1 of 4 stars; one submission).

gnomAD v4.1: 13 of 1,551,786 alleles (0.00084%); highest among the groups gnomAD compares: Non-Finnish European, 0.001%; no homozygotes.

Submission:

Labcorp Genetics (formerly Invitae), Labcorp
Classification: Uncertain significance. Last evaluated: 2025-03-15. Review status: criteria provided, single submitter. Criteria: Invitae Variant Classification Sherloc (09022015). Collection method: clinical testing. Allele origin: germline.
Comment: This sequence change replaces arginine, which is basic and polar, with cysteine, which is neutral and slightly polar, at codon 648 of the ZSWIM6 protein (p.Arg648Cys). This variant is not present in population databases (gnomAD no frequency). This variant has not been reported in the literature in individuals affected with ZSWIM6-related conditions. Invitae Evidence Modeling of protein sequence and biophysical properties (such as structural, functional, and spatial information, amino acid conservation, physicochemical variation, residue mobility, and thermodynamic stability) indicates that this missense variant is not expected to disrupt ZSWIM6 protein function with a negative predictive value of 80%. In summary, the available evidence is currently insufficient to determine the role of this variant in disease. Therefore, it has been classified as a Variant of Uncertain Significance.